The following is an entry in ClinVar:

ClinVar aggregate classification (germline): Uncertain significance (1 of 4 stars; one submission).

Conditions:
ALG8 congenital disorder of glycosylation. Also called: CDG Ih; CONGENITAL DISORDER OF GLYCOSYLATION, TYPE Ih; ALG8-CDG. Identifiers: Orphanet 79325, MedGen C2931002, MONDO:0011969, OMIM 608104.

gnomAD v4.1: 2 of 1,564,402 alleles (0.00013%); highest among the groups gnomAD compares: Middle Eastern, 0.017%; no homozygotes.

Submission:

Labcorp Genetics (formerly Invitae), Labcorp
Classification: Uncertain significance for ALG8 congenital disorder of glycosylation. Last evaluated: 2025-06-12. Review status: criteria provided, single submitter. Criteria: Invitae Variant Classification Sherloc (09022015). Collection method: clinical testing. Allele origin: germline.
Comment: This sequence change replaces alanine, which is neutral and non-polar, with serine, which is neutral and polar, at codon 18 of the ALG8 protein (p.Ala18Ser). This variant is not present in population databases (gnomAD no frequency). This variant has not been reported in the literature in individuals affected with ALG8-related conditions. ClinVar contains an entry for this variant (Variation ID: 3013778). Invitae Evidence Modeling of protein sequence and biophysical properties (such as structural, functional, and spatial information, amino acid conservation, physicochemical variation, residue mobility, and thermodynamic stability) indicates that this missense variant is not expected to disrupt ALG8 protein function with a negative predictive value of 80%. In summary, the available evidence is currently insufficient to determine the role of this variant in disease. Therefore, it has been classified as a Variant of Uncertain Significance.

NM_024079.5(ALG8):c.52G>T (p.Ala18Ser)

Gene: ALG8 (ALG8 alpha-1,3-glucosyltransferase; minus strand). Cytogenetic location: 11q14.1.
Variant type: single nucleotide variant.
Coding change: c.52G>T on transcript NM_024079.5 (MANE Select); coding-DNA position 52, G replaced by T.
Protein change: p.Ala18Ser; replaces alanine 18 with serine.
Molecular consequence: missense variant.
Genome position (GRCh38, 1-based): chr11:78,139,537, C>A on the plus strand (G>T on the coding strand, the complement: ALG8 is on the minus strand). VCF-style: chr11-78139537-C-A. GRCh37 (hg19) VCF-style: chr11-77850583-C-A.
Other names: c.52G>T, p.Ala18Ser (NM_001007027.3, NM_001425219.1, NM_001425220.1 and 16 more transcripts); c.-23G>T (NM_001425226.1, NM_001425235.1, NM_001425236.1); c.-178G>T (NM_001425234.1); c.-331G>T (NM_001425239.1); c.-461G>T (NM_001425241.1); c.-499G>T (NM_001425242.1); short protein forms A18S.
Identifiers: ClinVar variation 3013778 (VCV003013778.3), dbSNP rs946504593, ClinGen allele CA382104001.